The following is an entry in ClinVar:

ClinVar aggregate classification (germline): Uncertain significance (1 of 4 stars; one submission).

Conditions:
Inborn genetic diseases. Identifiers: MedGen C0950123, MeSH D030342.

Allele frequency attached by ClinVar (database versions not stated): TOPMed 0.00006.

Submission:

Ambry Genetics
Classification: Uncertain significance for Inborn genetic diseases. Last evaluated: 2021-07-16. Review status: criteria provided, single submitter. Criteria: Ambry Variant Classification Scheme 2023. Collection method: clinical testing. Allele origin: germline.
Comment: The p.W24C variant (also known as c.72G>C), located in coding exon 1 of the ACD gene, results from a G to C substitution at nucleotide position 72. The tryptophan at codon 24 is replaced by cysteine, an amino acid with highly dissimilar properties. This amino acid position is conserved. In addition, this alteration is predicted to be tolerated by in silico analysis. Since supporting evidence is limited at this time, the clinical significance of this alteration remains unclear.

NM_001082486.1(ACD):c.72G>C (p.Trp24Cys)

Genes: ACD (ACD shelterin complex subunit and telomerase recruitment factor; minus strand), LOC130059224 (ATAC-STARR-seq lymphoblastoid silent region 7617; plus strand). Cytogenetic location: 16q22.1.
Variant type: single nucleotide variant.
Coding change: c.72G>C on transcript NM_001082486.1; coding-DNA position 72, G replaced by C.
Protein change: p.Trp24Cys; replaces tryptophan 24 with cysteine.
Genome position (GRCh38, 1-based): chr16:67,660,407, C>G on the plus strand (G>C on the coding strand, the complement: ACD is on the minus strand). VCF-style: chr16-67660407-C-G. GRCh37 (hg19) VCF-style: chr16-67694310-C-G.
Other names: short protein forms W24C.
Identifiers: ClinVar variation 1758201 (VCV001758201.2), dbSNP rs745972649, ClinGen allele CA8114932.